The following is an entry in ClinVar:

NM_001349.4(DARS1):c.959+3A>T

Gene: DARS1 (aspartyl-tRNA synthetase 1; minus strand). Cytogenetic location: 2q21.3.
Variant type: single nucleotide variant.
Coding change: c.959+3A>T on transcript NM_001349.4 (MANE Select); 3 bases into the intron after coding-DNA position 959, A replaced by T.
Molecular consequence: intron variant.
Genome position (GRCh38, 1-based): chr2:135,920,450, T>A on the plus strand (A>T on the coding strand, the complement: DARS1 is on the minus strand). VCF-style: chr2-135920450-T-A. GRCh37 (hg19) VCF-style: chr2-136678020-T-A.
Other names: c.659+3A>T (NM_001293312.1).
Identifiers: ClinVar variation 1997597 (VCV001997597.4), dbSNP rs372821057, ClinGen allele CA536531216.

ClinVar aggregate classification (germline): Uncertain significance (1 of 4 stars; one submission).

gnomAD v4.1: 2 of 1,611,012 alleles (0.00012%); no homozygotes.

Submission:

Labcorp Genetics (formerly Invitae), Labcorp
Classification: Uncertain significance. Last evaluated: 2022-08-09. Review status: criteria provided, single submitter. Criteria: Invitae Variant Classification Sherloc (09022015). Collection method: clinical testing. Allele origin: germline.
Comment: In summary, the available evidence is currently insufficient to determine the role of this variant in disease. Therefore, it has been classified as a Variant of Uncertain Significance. Variants that disrupt the consensus splice site are a relatively common cause of aberrant splicing (PMID: 17576681, 9536098). Algorithms developed to predict the effect of sequence changes on RNA splicing suggest that this variant may disrupt the consensus splice site. This variant has not been reported in the literature in individuals affected with DARS-related conditions. This variant is present in population databases (no rsID available, gnomAD 0.0009%). This sequence change falls in intron 10 of the DARS gene. It does not directly change the encoded amino acid sequence of the DARS protein. It affects a nucleotide within the consensus splice site.

Literature cited by the submitters: PubMed 17576681; PubMed 9536098.